The following is an entry in ClinVar:

ClinVar aggregate classification (germline): Uncertain significance. Review status: criteria provided, multiple submitters, no conflicts (2 of 4 stars). 3 submissions from 3 submitters: Uncertain significance (3). Last evaluated 2023-02-09.

Conditions:
Charcot-Marie-Tooth disease type 2. Also called: Charcot-Marie-Tooth type 2. Identifiers: Orphanet 64746, MedGen C0270914, MONDO:0018993.
Inborn genetic diseases. Identifiers: MedGen C0950123, MeSH D030342.

Allele frequency attached by ClinVar (database versions not stated): gnomAD exomes below 0.00001.
gnomAD v4.1: 3 of 1,614,142 alleles (0.00019%); highest among the groups gnomAD compares: Non-Finnish European, 0.00025%; no homozygotes.

Submissions (3):

GeneDx
Classification: Uncertain significance. Last evaluated: 2023-02-09. Review status: criteria provided, single submitter. Criteria: GeneDx Variant Classification Process June 2021. Collection method: clinical testing. Allele origin: germline. Affected: yes.
Comment: Not observed at significant frequency in large population cohorts (gnomAD); In silico analysis supports that this missense variant has a deleterious effect on protein structure/function; In silico analysis suggests this variant may impact gene splicing. In the absence of RNA/functional studies, the actual effect of this sequence change is unknown.; Has not been previously published as pathogenic or benign to our knowledge; This variant is associated with the following publications: (PMID: 25817015)

Labcorp Genetics (formerly Invitae), Labcorp
Classification: Uncertain significance for Charcot-Marie-Tooth disease type 2. Last evaluated: 2022-02-13. Review status: criteria provided, single submitter. Criteria: Invitae Variant Classification Sherloc (09022015). Collection method: clinical testing. Allele origin: germline.
Comment: In summary, the available evidence is currently insufficient to determine the role of this variant in disease. Therefore, it has been classified as a Variant of Uncertain Significance. Algorithms developed to predict the effect of missense changes on protein structure and function are either unavailable or do not agree on the potential impact of this missense change (SIFT: "Deleterious"; PolyPhen-2: "Probably Damaging"; Align-GVGD: "Class C0"). This variant has not been reported in the literature in individuals affected with AARS-related conditions. This variant is not present in population databases (gnomAD no frequency). This sequence change replaces proline, which is neutral and non-polar, with serine, which is neutral and polar, at codon 186 of the AARS protein (p.Pro186Ser).

Ambry Genetics
Classification: Uncertain significance for Inborn genetic diseases. Last evaluated: 2019-09-27. Review status: criteria provided, single submitter. Criteria: Ambry Variant Classification Scheme 2023. Collection method: clinical testing. Allele origin: germline.
Comment: The p.P186S variant (also known as c.556C>T), located in coding exon 4 of the AARS gene, results from a C to T substitution at nucleotide position 556. The proline at codon 186 is replaced by serine, an amino acid with similar properties. This amino acid position is highly conserved in available vertebrate species. In addition, this alteration is predicted to be deleterious by in silico analysis. Since supporting evidence is limited at this time, the clinical significance of this alteration remains unclear.

NM_001605.3(AARS1):c.556C>T (p.Pro186Ser)

Gene: AARS1 (alanyl-tRNA synthetase 1; minus strand). Cytogenetic location: 16q22.1.
Variant type: single nucleotide variant.
Coding change: c.556C>T on transcript NM_001605.3 (MANE Select); coding-DNA position 556, C replaced by T.
Protein change: p.Pro186Ser; replaces proline 186 with serine.
Molecular consequence: missense variant.
Genome position (GRCh38, 1-based): chr16:70,271,896, G>A on the plus strand (C>T on the coding strand, the complement: AARS1 is on the minus strand). VCF-style: chr16-70271896-G-A. GRCh37 (hg19) VCF-style: chr16-70305799-G-A.
Other names: short protein forms P186S.
Identifiers: ClinVar variation 1800397 (VCV001800397.8), dbSNP rs2507020848, ClinGen allele CA396566845.
Genomic context (GRCh38, chr16:70,271,896, plus strand): 5'-GGTTGACAAGATGTGCGGCGTCCCGACCACCAATCCGGTCGTAGTGGATCTCACTGCAAG[G>A]ACCACAGGGGCCCGTGTCACCCATCTCCCAGAAGTTATCCTTCATGTTGCCTGGGAGGAT-3'
Protein context (NP_001596.2, residues 176-196): WEMGDTGPCG[Pro186Ser]CSEIHYDRIG